The following is an entry in ClinVar:

NM_003680.4(YARS1):c.166A>G (p.Met56Val)

Gene: YARS1 (tyrosyl-tRNA synthetase 1; minus strand). Cytogenetic location: 1p35.1.
Variant type: single nucleotide variant.
Coding change: c.166A>G on transcript NM_003680.4 (MANE Select); coding-DNA position 166, A replaced by G.
Protein change: p.Met56Val; replaces methionine 56 with valine.
Molecular consequence: missense variant.
Genome position (GRCh38, 1-based): chr1:32,810,949, T>C on the plus strand (A>G on the coding strand, the complement: YARS1 is on the minus strand). VCF-style: chr1-32810949-T-C. GRCh37 (hg19) VCF-style: chr1-33276550-T-C.
Other names: short protein forms M56V.
Identifiers: ClinVar variation 940101 (VCV000940101.14), dbSNP rs141115281, ClinGen allele CA745272.

ClinVar aggregate classification (germline): Uncertain significance. Review status: criteria provided, multiple submitters, no conflicts (2 of 4 stars). 4 submissions from 4 submitters: Uncertain significance (4). Last evaluated 2026-03-09.

Conditions:
Charcot-Marie-Tooth disease dominant intermediate C (CMTDIC). Also called: CHARCOT-MARIE-TOOTH NEUROPATHY, DOMINANT INTERMEDIATE C. Identifiers: Orphanet 100045, MedGen C1842237, MONDO:0012012, OMIM 608323.
YARS1-related disorder. Also called: YARS1-related condition.

Allele frequency attached by ClinVar (database versions not stated): gnomAD 0.00001; ExAC 0.00002; gnomAD exomes 0.00002 and 0.00003; TOPMed 0.00003; ESP Exome Variant Server 0.00015.
gnomAD v4.1: 45 of 1,614,072 alleles (0.0028%); highest among the groups gnomAD compares: African/African-American, 0.008%; no homozygotes.

Submissions (4):

PreventionGenetics, part of Exact Sciences
Classification: Uncertain significance for YARS1-related condition. Last evaluated: 2026-03-09. Review status: criteria provided, single submitter. Criteria: ACMG Guidelines, 2015. Collection method: clinical testing. Allele origin: germline.
Comment: The YARS1 c.166A>G variant is predicted to result in the amino acid substitution p.Met56Val. To our knowledge, this variant has not been reported in the literature. This variant is reported in 0.012% of alleles in individuals of African descent in gnomAD. At this time, the clinical significance of this variant is uncertain due to the absence of conclusive functional and genetic evidence.

Labcorp Genetics (formerly Invitae), Labcorp
Classification: Uncertain significance for Charcot-Marie-Tooth disease dominant intermediate C. Last evaluated: 2025-11-21. Review status: criteria provided, single submitter. Criteria: Invitae Variant Classification Sherloc (09022015). Collection method: clinical testing. Allele origin: germline.
Comment: This sequence change replaces methionine, which is neutral and non-polar, with valine, which is neutral and non-polar, at codon 56 of the YARS protein (p.Met56Val). This variant is present in population databases (rs141115281, gnomAD 0.01%). This variant has not been reported in the literature in individuals affected with YARS-related conditions. ClinVar contains an entry for this variant (Variation ID: 940101). Invitae Evidence Modeling of protein sequence and biophysical properties (such as structural, functional, and spatial information, amino acid conservation, physicochemical variation, residue mobility, and thermodynamic stability) indicates that this missense variant is not expected to disrupt YARS protein function with a negative predictive value of 80%. In summary, the available evidence is currently insufficient to determine the role of this variant in disease. Therefore, it has been classified as a Variant of Uncertain Significance.

GeneDx
Classification: Uncertain significance. Last evaluated: 2023-02-28. Review status: criteria provided, single submitter. Criteria: GeneDx Variant Classification Process June 2021. Collection method: clinical testing. Allele origin: germline. Affected: yes.
Comment: In silico analysis supports that this missense variant has a deleterious effect on protein structure/function; Has not been previously published as pathogenic or benign to our knowledge; This variant is associated with the following publications: (PMID: 16429158)

Athena Diagnostics
Classification: Uncertain significance. Last evaluated: 2022-12-30. Review status: criteria provided, single submitter. Criteria: Athena Diagnostics Criteria. Collection method: clinical testing. Allele origin: unknown.
Comment: Available data are insufficient to determine the clinical significance of the variant at this time. The frequency of this variant in the general population is uninformative in assessment of its pathogenicity. Computational tools predict that this variant is damaging.

Literature cited by the submitters: PubMed 28440294 (cited by Athena Diagnostics).